The following is an entry in ClinVar:

ClinVar aggregate classification (germline): Uncertain significance (1 of 4 stars; one submission).

Conditions:
Early-infantile DEE. Also called: Early infantile epileptic encephalopathy; Early infantile epileptic encephalopathy with suppression bursts; Ohtahara syndrome. Identifiers: Orphanet 1934, MedGen C0393706, MONDO:0800491.

Submission:

Labcorp Genetics (formerly Invitae), Labcorp
Classification: Uncertain significance for Early-infantile DEE. Last evaluated: 2017-02-11. Review status: criteria provided, single submitter. Criteria: Invitae Variant Classification Sherloc (09022015). Collection method: clinical testing. Allele origin: germline.
Comment: Algorithms developed to predict the effect of missense changes on protein structure and function do not agree on the potential impact of this missense change (SIFT: "Deleterious"; PolyPhen-2: "Probably Damaging"; Align-GVGD: "Class C0"). In summary, this variant is a novel missense change with uncertain impact on protein function. It has been classified as a Variant of Uncertain Significance. This variant is not present in population databases (ExAC no frequency) and has not been reported in the literature in individuals with an SCN8A-related disease. This sequence change replaces glutamic acid with aspartic acid at codon 1568 of the SCN8A protein (p.Glu1568Asp). The glutamic acid residue is highly conserved and there is a small physicochemical difference between glutamic acid and aspartic acid.

NM_001330260.2(SCN8A):c.4704G>T (p.Glu1568Asp)

Gene: SCN8A (sodium voltage-gated channel alpha subunit 8; plus strand). Cytogenetic location: 12q13.13.
Variant type: single nucleotide variant.
Coding change: c.4704G>T on transcript NM_001330260.2 (MANE Select); coding-DNA position 4704, G replaced by T.
Protein change: p.Glu1568Asp; replaces glutamic acid 1568 with aspartic acid.
Molecular consequence: missense variant.
Genome position (GRCh38, 1-based): chr12:51,794,550, G>T. VCF-style: chr12-51794550-G-T. GRCh37 (hg19) VCF-style: chr12-52188334-G-T.
Other names: c.4581G>T, p.Glu1527Asp (NM_001177984.3, NM_001369788.1); c.4704G>T, p.Glu1568Asp (NM_014191.4); short protein forms E1568D, E1527D.
Identifiers: ClinVar variation 461344 (VCV000461344.9), dbSNP rs1207860967, ClinGen allele CA384879177.